The following is an entry in ClinVar:

ClinVar aggregate classification (germline): Uncertain significance. Review status: criteria provided, multiple submitters, no conflicts (2 of 4 stars). 2 submissions from 2 submitters: Uncertain significance (2). Last evaluated 2025-01-20.

Conditions:
Inborn genetic diseases. Identifiers: MedGen C0950123, MeSH D030342.

gnomAD v4.1: 5 of 1,613,558 alleles (0.00031%); highest among the groups gnomAD compares: Non-Finnish European, 0.00042%; no homozygotes.

Submissions (2):

Labcorp Genetics (formerly Invitae), Labcorp
Classification: Uncertain significance. Last evaluated: 2025-01-20. Review status: criteria provided, single submitter. Criteria: Invitae Variant Classification Sherloc (09022015). Collection method: clinical testing. Allele origin: germline.
Comment: This sequence change replaces lysine, which is basic and polar, with arginine, which is basic and polar, at codon 291 of the ERBB4 protein (p.Lys291Arg). This variant is not present in population databases (gnomAD no frequency). This variant has not been reported in the literature in individuals affected with ERBB4-related conditions. ClinVar contains an entry for this variant (Variation ID: 2554700). Invitae Evidence Modeling of protein sequence and biophysical properties (such as structural, functional, and spatial information, amino acid conservation, physicochemical variation, residue mobility, and thermodynamic stability) indicates that this missense variant is not expected to disrupt ERBB4 protein function with a negative predictive value of 80%. In summary, the available evidence is currently insufficient to determine the role of this variant in disease. Therefore, it has been classified as a Variant of Uncertain Significance.

Ambry Genetics
Classification: Uncertain significance for Inborn genetic diseases. Last evaluated: 2023-06-01. Review status: criteria provided, single submitter. Criteria: Ambry Variant Classification Scheme 2023. Collection method: clinical testing. Allele origin: germline.

NM_005235.3(ERBB4):c.872A>G (p.Lys291Arg)

Gene: ERBB4 (erb-b2 receptor tyrosine kinase 4; minus strand). Cytogenetic location: 2q34.
Variant type: single nucleotide variant.
Coding change: c.872A>G on transcript NM_005235.3 (MANE Select); coding-DNA position 872, A replaced by G.
Protein change: p.Lys291Arg; replaces lysine 291 with arginine.
Molecular consequence: missense variant.
Genome position (GRCh38, 1-based): chr2:211,722,404, T>C on the plus strand (A>G on the coding strand, the complement: ERBB4 is on the minus strand). VCF-style: chr2-211722404-T-C. GRCh37 (hg19) VCF-style: chr2-212587129-T-C.
Other names: c.872A>G, p.Lys291Arg (NM_001042599.2); short protein forms K291R.
Identifiers: ClinVar variation 2554700 (VCV002554700.4), dbSNP rs2470070178, ClinGen allele CA350444080.